The following is an entry in ClinVar:

NM_004738.5(VAPB):c.476CTT[1] (p.Ser160del)

Gene: VAPB (VAMP associated protein B and C; plus strand). Cytogenetic location: 20q13.32.
Variant type: Microsatellite.
Coding change: c.476CTT[1] on transcript NM_004738.5 (MANE Select); one copy of the 3-base unit CTT starting at c.476; the reference has two copies in a row; one copy, 3 bases deleted; also written c.479_481del.
Protein change: p.Ser160del; deletes serine 160.
Molecular consequence: inframe deletion. On other transcripts: intron variant (1), non-coding transcript variant (1).
Genome position (GRCh38, 1-based): chr20:58,440,989-58,440,991, CTT deleted; deleting any 3 consecutive bases within chr20:58,440,984-58,440,991 gives the same sequence; the position shown is the placement nearest the transcript's 3' end. VCF-style (leftmost placement, unchanged base first): chr20-58440983-GTTC-G. GRCh37 (hg19) VCF-style: chr20-57016039-GTTC-G.
Other names: c.479_481del (NM_004738.5); c.212-3088_212-3086del (NM_001195677.2); c.479_481delCTT (NM_004738.4); short protein forms S160del.
Identifiers: ClinVar variation 338931 (VCV000338931.52), dbSNP rs566283411, ClinGen allele CA9924265.

ClinVar aggregate classification (germline): Conflicting classifications of pathogenicity. Review status: criteria provided, conflicting classifications (1 of 4 stars). 12 submissions from 12 submitters: Uncertain significance (1); Benign (2); Likely benign (5). 4 of the submissions do not count toward it. Last evaluated 2026-07-01.

Conditions:
VAPB-related disorder. Also called: VAPB-related condition.
Inborn genetic diseases. Identifiers: MedGen C0950123, MeSH D030342.
Amyotrophic lateral sclerosis type 8 (ALS8). Identifiers: Orphanet 803, MedGen C1837728, MONDO:0012077, OMIM 608627.
Adult-onset proximal spinal muscular atrophy, autosomal dominant. Also called: FINKEL LATE-ADULT TYPE SMA; Spinal muscular atrophy, late-onset, finkel type. Identifiers: Orphanet 209335, MedGen C1854058, MONDO:0008453, OMIM 182980.

Submissions (12):

CeGaT Center for Human Genetics Tuebingen
Classification: Likely benign. Last evaluated: 2026-07-01. Review status: criteria provided, single submitter. Criteria: CeGaT Center For Human Genetics Tuebingen Variant Classification Criteria Version 2. Collection method: clinical testing. Allele origin: germline. Affected: yes. Observed: 11 variant alleles.
Comment: VAPB: PM4:Supporting, BS1

Labcorp Genetics (formerly Invitae), Labcorp
Classification: Likely benign for Adult-onset proximal spinal muscular atrophy, autosomal dominant; Amyotrophic lateral sclerosis type 8. Last evaluated: 2026-01-27. Review status: criteria provided, single submitter. Criteria: Invitae Variant Classification Sherloc (09022015). Collection method: clinical testing. Allele origin: germline.

Athena Diagnostics
Classification: Benign. Last evaluated: 2025-08-22. Review status: criteria provided, single submitter. Criteria: Athena Diagnostics Criteria. Collection method: clinical testing. Allele origin: unknown.
Comment: The frequency of this variant in the general population is higher than would generally be expected for pathogenic variants in this gene.

Blueprint Genetics
Classification: Likely benign. Last evaluated: 2024-11-08. Review status: criteria provided, single submitter. Criteria: ACMG Guidelines, 2015. Collection method: clinical testing. Allele origin: germline.

Department of Pathology and Laboratory Medicine, Sinai Health System
Classification: Likely benign for Adult-onset proximal spinal muscular atrophy, autosomal dominant; Amyotrophic lateral sclerosis type 8. Last evaluated: 2021-07-30. Review status: criteria provided, single submitter. Criteria: ACMG Guidelines, 2015. Collection method: research. Allele origin: germline.

GeneDx
Classification: Benign. Last evaluated: 2021-04-05. Review status: criteria provided, single submitter. Criteria: GeneDx Variant Classification Process June 2021. Collection method: clinical testing. Allele origin: germline. Affected: yes.
Comment: This variant is associated with the following publications: (PMID: 21989245, 22878164, 19183264, 18322265, 23971766, 23446633)

Ambry Genetics
Classification: Likely benign for Inborn genetic diseases. Last evaluated: 2020-05-19. Review status: criteria provided, single submitter. Criteria: Ambry Variant Classification Scheme 2023. Collection method: clinical testing. Allele origin: germline.

Revvity Omics, Revvity
Classification: Uncertain significance. Last evaluated: 2020-03-10. Review status: criteria provided, single submitter. Criteria: ACMG Guidelines, 2015. Collection method: clinical testing. Allele origin: germline.

PreventionGenetics, part of Exact Sciences
Classification: Benign for VAPB-related condition. Last evaluated: 2022-08-01. Review status: no assertion criteria provided. Collection method: clinical testing. Allele origin: germline. Not counted in ClinVar's aggregate classification.
Comment: This variant is classified as benign based on ACMG/AMP sequence variant interpretation guidelines (Richards et al. 2015 PMID: 25741868, with internal and published modifications).

Clinical Genetics DNA and cytogenetics Diagnostics Lab, Erasmus MC, Erasmus Medical Center
Classification: Benign. Review status: no assertion criteria provided. Collection method: clinical testing. Allele origin: germline. Affected: yes. Study: VKGL Data-share Consensus. Not counted in ClinVar's aggregate classification.

Clinical Genetics, Academic Medical Center
Classification: Likely benign. Review status: no assertion criteria provided. Collection method: clinical testing. Allele origin: germline. Affected: yes. Study: VKGL Data-share Consensus. Not counted in ClinVar's aggregate classification.

Genome Diagnostics Laboratory, University Medical Center Utrecht
Classification: Likely benign. Review status: no assertion criteria provided. Collection method: clinical testing. Allele origin: germline. Affected: yes. Study: VKGL Data-share Consensus. Not counted in ClinVar's aggregate classification.

Literature cited by the submitters: PubMed 18322265 (cited by Athena Diagnostics); PubMed 23446633 (cited by Athena Diagnostics); PubMed 19183264 (cited by Athena Diagnostics); PubMed 23971766 (cited by Athena Diagnostics); PubMed 22878164 (cited by Athena Diagnostics); PubMed 23568845 (cited by Athena Diagnostics); PubMed 30886340 (cited by Athena Diagnostics).